The following is an entry in ClinVar:

ClinVar aggregate classification (germline): Conflicting classifications of pathogenicity. Review status: criteria provided, conflicting classifications (1 of 4 stars). 3 submissions from 3 submitters: Uncertain significance (1); Likely benign (2). Last evaluated 2025-12-09.

Conditions:
Hereditary cancer-predisposing syndrome. Also called: Hereditary neoplastic syndrome; Hereditary Cancer Syndrome; Tumor predisposition; Neoplastic Syndromes, Hereditary. Identifiers: Orphanet 140162, MedGen C0027672, MeSH D009386, MONDO:0015356.
Hereditary breast ovarian cancer syndrome. Also called: Breast and ovarian cancer; Hereditary breast and ovarian cancer; BRCA1- and BRCA2-Associated Hereditary Breast and Ovarian Cancer; Hereditary breast and/or ovarian cancer syndrome; Hereditary breast and ovarian cancer syndrome; Hereditary breast and ovarian cancer syndrome (HBOC). Identifiers: Orphanet 145, MedGen C0677776, MeSH D061325, MONDO:0003582. Disease mechanism: loss of function.

Allele frequency attached by ClinVar (database versions not stated): TOPMed below 0.00001.

Submissions (3):

Labcorp Genetics (formerly Invitae), Labcorp
Classification: Likely benign for Hereditary breast ovarian cancer syndrome. Last evaluated: 2025-12-09. Review status: criteria provided, single submitter. Criteria: Invitae Variant Classification Sherloc (09022015). Collection method: clinical testing. Allele origin: germline.

Quest Diagnostics Nichols Institute San Juan Capistrano
Classification: Uncertain significance. Last evaluated: 2024-09-20. Review status: criteria provided, single submitter. Criteria: Quest Diagnostics criteria. Collection method: clinical testing. Allele origin: unknown.
Comment: The BRCA2 c.7935A>G (p.Arg2645=) synonymous variant has not been reported in individuals with BRCA2-related conditions in the published literature. It also has not been reported in large, multi-ethnic general populations (Genome Aggregation Database). Analysis of this variant using software algorithms for the prediction of the effect of nucleotide changes on splicing yielded predictions that this variant does not affect BRCA2 mRNA splicing. Based on the available information, we are unable to determine the clinical significance of this variant.

Ambry Genetics
Classification: Likely benign for Hereditary cancer-predisposing syndrome. Last evaluated: 2017-05-10. Review status: criteria provided, single submitter. Criteria: Ambry Variant Classification Scheme 2023. Collection method: clinical testing. Allele origin: germline.

NM_000059.4(BRCA2):c.7935A>G (p.Arg2645=)

Gene: BRCA2 (BRCA2 DNA repair associated; plus strand). Cytogenetic location: 13q13.1.
Variant type: single nucleotide variant.
Coding change: c.7935A>G on transcript NM_000059.4 (MANE Select); coding-DNA position 7935, A replaced by G.
Protein change: p.Arg2645=; no amino-acid change (arginine 2645 retained).
Molecular consequence: synonymous variant.
Genome position (GRCh38, 1-based): chr13:32,362,652, A>G. VCF-style: chr13-32362652-A-G. GRCh37 (hg19) VCF-style: chr13-32936789-A-G.
Identifiers: ClinVar variation 439007 (VCV000439007.18), dbSNP rs1283509388, ClinGen allele CA483260997.